The following is an entry in ClinVar:

NM_002863.5(PYGL):c.1090A>G (p.Lys364Glu)

Gene: PYGL (glycogen phosphorylase L; minus strand). Cytogenetic location: 14q22.1.
Variant type: single nucleotide variant.
Coding change: c.1090A>G on transcript NM_002863.5 (MANE Select); coding-DNA position 1090, A replaced by G.
Protein change: p.Lys364Glu; replaces lysine 364 with glutamic acid.
Molecular consequence: missense variant.
Genome position (GRCh38, 1-based): chr14:50,916,644, T>C on the plus strand (A>G on the coding strand, the complement: PYGL is on the minus strand). VCF-style: chr14-50916644-T-C. GRCh37 (hg19) VCF-style: chr14-51383362-T-C.
Other names: c.1090A>G (NM_002863.4); c.988A>G, p.Lys330Glu (NM_001163940.2); short protein forms K330E, K364E.
Identifiers: ClinVar variation 2163724 (VCV002163724.5), dbSNP rs1268998660, ClinGen allele CA389688986.

ClinVar aggregate classification (germline): Uncertain significance. Review status: criteria provided, multiple submitters, no conflicts (2 of 4 stars). 2 submissions from 2 submitters: Uncertain significance (2). Last evaluated 2025-04-08.

Conditions:
Inborn genetic diseases. Identifiers: MedGen C0950123, MeSH D030342.
Glycogen storage disease, type VI (GSD6). Also called: Glycogen storage disease type 6; Hepatic glycogen phosphorylase deficiency; Glycogen storage disease type 6, due to phosphorylation; GSD VI; HERS DISEASE; PHOSPHORYLASE DEFICIENCY GLYCOGEN-STORAGE DISEASE OF LIVER. Identifiers: Orphanet 369, MedGen C0017925, MONDO:0009294, OMIM 232700.

Allele frequency attached by ClinVar (database versions not stated): TOPMed below 0.00001; gnomAD exomes below 0.00001.
gnomAD v4.1: 3 of 1,610,818 alleles (0.00019%); highest among the groups gnomAD compares: Non-Finnish European, 0.00025%; no homozygotes.

Submissions (2):

Ambry Genetics
Classification: Uncertain significance for Inborn genetic diseases. Last evaluated: 2025-04-08. Review status: criteria provided, single submitter. Criteria: Ambry Variant Classification Scheme 2023. Collection method: clinical testing. Allele origin: germline.

Labcorp Genetics (formerly Invitae), Labcorp
Classification: Uncertain significance for Glycogen storage disease, type VI. Last evaluated: 2022-06-18. Review status: criteria provided, single submitter. Criteria: Invitae Variant Classification Sherloc (09022015). Collection method: clinical testing. Allele origin: germline.
Comment: This sequence change replaces lysine, which is basic and polar, with glutamic acid, which is acidic and polar, at codon 364 of the PYGL protein (p.Lys364Glu). In summary, the available evidence is currently insufficient to determine the role of this variant in disease. Therefore, it has been classified as a Variant of Uncertain Significance. Algorithms developed to predict the effect of missense changes on protein structure and function (SIFT, PolyPhen-2, Align-GVGD) all suggest that this variant is likely to be tolerated. This variant has not been reported in the literature in individuals affected with PYGL-related conditions. This variant is present in population databases (no rsID available, gnomAD 0.0009%).